The following is an entry in ClinVar:

ClinVar aggregate classification (germline): Uncertain significance. Review status: criteria provided, multiple submitters, no conflicts (2 of 4 stars). 2 submissions from 2 submitters: Uncertain significance (2). Last evaluated 2026-03-12.

Conditions:
Spastic paraplegia. Identifiers: MedGen C0037772, HP:0001258.
Combined oxidative phosphorylation defect type 7. Identifiers: Orphanet 254930, MedGen C3150801, MONDO:0013306, OMIM 613559.
MTRFR-related disorder. Also called: MTRFR-related condition.

Allele frequency attached by ClinVar (database versions not stated): ExAC 0.00001; gnomAD exomes 0.00001 and 0.00002; gnomAD 0.00008 and 0.00009; TOPMed 0.00013; ESP Exome Variant Server 0.00031.
gnomAD v4.1: 28 of 1,614,090 alleles (0.0017%); highest among the groups gnomAD compares: African/African-American, 0.032%; no homozygotes.

Submissions (2):

PreventionGenetics, part of Exact Sciences
Classification: Uncertain significance for MTRFR-related condition. Last evaluated: 2026-03-12. Review status: criteria provided, single submitter. Criteria: ACMG Guidelines, 2015. Collection method: clinical testing. Allele origin: germline.
Comment: The MTRFR c.32C>T variant is predicted to result in the amino acid substitution p.Thr11Ile. To our knowledge, this variant has not been reported in the literature. This variant is reported in 0.032% of alleles in individuals of African descent in gnomAD. At this time, the clinical significance of this variant is uncertain due to the absence of conclusive functional and genetic evidence.

Labcorp Genetics (formerly Invitae), Labcorp
Classification: Uncertain significance for Combined oxidative phosphorylation defect type 7; Spastic paraplegia. Last evaluated: 2021-08-16. Review status: criteria provided, single submitter. Criteria: Invitae Variant Classification Sherloc (09022015). Collection method: clinical testing. Allele origin: germline.
Comment: This sequence change replaces threonine with isoleucine at codon 11 of the C12orf65 protein (p.Thr11Ile). The threonine residue is weakly conserved and there is a moderate physicochemical difference between threonine and isoleucine. This variant is present in population databases (rs143410718, ExAC 0.01%). This variant has not been reported in the literature in individuals affected with C12orf65-related conditions. Algorithms developed to predict the effect of missense changes on protein structure and function (SIFT, PolyPhen-2, Align-GVGD) all suggest that this variant is likely to be tolerated. In summary, the available evidence is currently insufficient to determine the role of this variant in disease. Therefore, it has been classified as a Variant of Uncertain Significance.

NM_152269.5(MTRFR):c.32C>T (p.Thr11Ile)

Gene: MTRFR (mitochondrial translation release factor in rescue; plus strand). Cytogenetic location: 12q24.31.
Variant type: single nucleotide variant.
Coding change: c.32C>T on transcript NM_152269.5 (MANE Select); coding-DNA position 32, C replaced by T.
Protein change: p.Thr11Ile; replaces threonine 11 with isoleucine.
Molecular consequence: missense variant.
Genome position (GRCh38, 1-based): chr12:123,253,706, C>T. VCF-style: chr12-123253706-C-T. GRCh37 (hg19) VCF-style: chr12-123738253-C-T.
Other names: c.32C>T, p.Thr11Ile (NM_001143905.2, NM_001194995.1); c.32C>T (NM_152269.4); short protein forms T11I.
Identifiers: ClinVar variation 1681651 (VCV001681651.4), dbSNP rs143410718, ClinGen allele CA6856503.
Genomic context (GRCh38, chr12:123,253,706, plus strand): 5'-GGTCCTCAGCCAGCAGAGCCACGTTCCTTATGAGCACCGTGGGTTTATTTCATTTTCCTA[C>T]ACCACTGACCCGAATATGCCCGGCGCCATGGGGACTCCGGCTTTGGGAGAAGCTGACGTT-3'
Protein context (NP_689482.1, residues 1-21): MSTVGLFHFP[Thr11Ile]PLTRICPAPW